The following is an entry in ClinVar:

NM_053025.4(MYLK):c.2911G>C (p.Val971Leu)

Gene: MYLK (myosin light chain kinase; minus strand). Cytogenetic location: 3q21.1.
Variant type: single nucleotide variant.
Coding change: c.2911G>C on transcript NM_053025.4 (MANE Select); coding-DNA position 2911, G replaced by C.
Protein change: p.Val971Leu; replaces valine 971 with leucine.
Molecular consequence: missense variant.
Genome position (GRCh38, 1-based): chr3:123,700,557, C>G on the plus strand (G>C on the coding strand, the complement: MYLK is on the minus strand). VCF-style: chr3-123700557-C-G. GRCh37 (hg19) VCF-style: chr3-123419404-C-G.
Other names: c.2383G>C, p.Val795Leu (NM_001321309.2); c.2704G>C, p.Val902Leu (NM_053026.4, NM_053028.4); c.2911G>C, p.Val971Leu (NM_053027.4); short protein forms V795L, V902L, V971L.
Identifiers: ClinVar variation 1797588 (VCV001797588.7), dbSNP rs1199429329, ClinGen allele CA354230752.
Genomic context (GRCh38, chr3:123,700,557, plus strand): 5'-ATTTCTTCTTGCCACCCAGCACTGAGCGAAAATCCGGGGTGGCAGGTTTTGGCGGTGGCA[C>G]CTTCTCAGGCACGGGGGTCTTGGAAGTCCCCTTCTTGGCCAGGACAGAGCGAAAATCGAC-3'
Protein context (NP_444253.3, residues 961-981): GTSKTPVPEK[Val971Leu]PPPKPATPDF

ClinVar aggregate classification (germline): Uncertain significance. Review status: criteria provided, multiple submitters, no conflicts (2 of 4 stars). 2 submissions from 2 submitters: Uncertain significance (2). Last evaluated 2022-06-12.

Conditions:
Familial thoracic aortic aneurysm and aortic dissection (TAAD). Also called: Thoracic aortic aneurysms and dissections. Identifiers: Orphanet 91387, MedGen C4707243, MONDO:0019625.
Aortic aneurysm, familial thoracic 7 (AAT7). Also called: AORTIC DISSECTION, FAMILIAL, WITH OR WITHOUT AORTIC ANEURYSM. Identifiers: MedGen C3151077, MONDO:0013418, OMIM 613780.

Allele frequency attached by ClinVar (database versions not stated): TOPMed 0.00001.

Submissions (2):

Labcorp Genetics (formerly Invitae), Labcorp
Classification: Uncertain significance for Aortic aneurysm, familial thoracic 7. Last evaluated: 2022-06-12. Review status: criteria provided, single submitter. Criteria: Invitae Variant Classification Sherloc (09022015). Collection method: clinical testing. Allele origin: germline.
Comment: This variant is present in population databases (no rsID available, gnomAD 0.01%). In summary, the available evidence is currently insufficient to determine the role of this variant in disease. Therefore, it has been classified as a Variant of Uncertain Significance. Advanced modeling of protein sequence and biophysical properties (such as structural, functional, and spatial information, amino acid conservation, physicochemical variation, residue mobility, and thermodynamic stability) performed at Invitae indicates that this missense variant is not expected to disrupt MYLK protein function. This variant has not been reported in the literature in individuals affected with MYLK-related conditions. This sequence change replaces valine, which is neutral and non-polar, with leucine, which is neutral and non-polar, at codon 971 of the MYLK protein (p.Val971Leu).

Ambry Genetics
Classification: Uncertain significance for Familial thoracic aortic aneurysm and aortic dissection. Last evaluated: 2022-03-03. Review status: criteria provided, single submitter. Criteria: Ambry Variant Classification Scheme 2023. Collection method: clinical testing. Allele origin: germline.
Comment: The p.V971L variant (also known as c.2911G>C), located in coding exon 15 of the MYLK gene, results from a G to C substitution at nucleotide position 2911. The valine at codon 971 is replaced by leucine, an amino acid with highly similar properties. This amino acid position is conserved. In addition, this alteration is predicted to be tolerated by in silico analysis. Since supporting evidence is limited at this time, the clinical significance of this alteration remains unclear.